The following is an entry in ClinVar:

NM_152327.5(AK7):c.1657T>A (p.Phe553Ile)

Gene: AK7 (adenylate kinase 7; plus strand). Cytogenetic location: 14q32.2.
Variant type: single nucleotide variant.
Coding change: c.1657T>A on transcript NM_152327.5 (MANE Select); coding-DNA position 1657, T replaced by A.
Protein change: p.Phe553Ile; replaces phenylalanine 553 with isoleucine.
Molecular consequence: missense variant.
Genome position (GRCh38, 1-based): chr14:96,478,566, T>A. VCF-style: chr14-96478566-T-A. GRCh37 (hg19) VCF-style: chr14-96944903-T-A.
Other names: c.1588T>A, p.Phe530Ile (NM_001350888.2, NM_001350890.2); c.1579T>A, p.Phe527Ile (NM_001350891.2); c.1459T>A, p.Phe487Ile (NM_001350892.2); c.1657T>A (NM_152327.2); short protein forms F487I, F527I, F553I, F530I.
Identifiers: ClinVar variation 1504819 (VCV001504819.6), dbSNP rs28636953, ClinGen allele CA7337917.
Genomic context (GRCh38, chr14:96,478,566, plus strand): 5'-GAGCGTGTGATAAACCTTCCTGAGAGCATCGTGGCGGGGACCCACTACAGCCAAGACCGA[T>A]TCCTCCGGGCTCTGAGCAACTACCGGGACATCAATATCGACGATGAGACTGTCTTCAACT-3'
Protein context (NP_689540.2, residues 543-563): VAGTHYSQDR[Phe553Ile]LRALSNYRDI

ClinVar aggregate classification (germline): Uncertain significance. Review status: criteria provided, multiple submitters, no conflicts (2 of 4 stars). 2 submissions from 2 submitters: Uncertain significance (2). Last evaluated 2024-05-01.

Allele frequency attached by ClinVar (database versions not stated): gnomAD exomes 0.00003 and 0.00011; ExAC 0.00009; 1000 Genomes Project 30x 0.00016; 1000 Genomes Project 0.00020; TOPMed 0.00026; gnomAD 0.00028 and 0.00030; ESP Exome Variant Server 0.00038.
gnomAD v4.1: 102 of 1,614,176 alleles (0.0063%); highest among the groups gnomAD compares: African/African-American, 0.12%; no homozygotes.

Submissions (2):

Ambry Genetics
Classification: Uncertain significance. Last evaluated: 2024-05-01. Review status: criteria provided, single submitter. Criteria: Ambry Variant Classification Scheme 2023. Collection method: clinical testing. Allele origin: germline.

Labcorp Genetics (formerly Invitae), Labcorp
Classification: Uncertain significance. Last evaluated: 2023-09-19. Review status: criteria provided, single submitter. Criteria: Invitae Variant Classification Sherloc (09022015). Collection method: clinical testing. Allele origin: germline.
Comment: This sequence change replaces phenylalanine, which is neutral and non-polar, with isoleucine, which is neutral and non-polar, at codon 553 of the AK7 protein (p.Phe553Ile). This variant is present in population databases (rs28636953, gnomAD 0.1%), and has an allele count higher than expected for a pathogenic variant. This variant has not been reported in the literature in individuals affected with AK7-related conditions. ClinVar contains an entry for this variant (Variation ID: 1504819). Advanced modeling of protein sequence and biophysical properties (such as structural, functional, and spatial information, amino acid conservation, physicochemical variation, residue mobility, and thermodynamic stability) performed at Invitae indicates that this missense variant is not expected to disrupt AK7 protein function. In summary, the available evidence is currently insufficient to determine the role of this variant in disease. Therefore, it has been classified as a Variant of Uncertain Significance.